The following is an entry in ClinVar:

NM_017534.6(MYH2):c.298C>A (p.Pro100Thr)

Genes: MYHAS (myosin heavy chain gene cluster antisense RNA; plus strand), MYH2 (myosin heavy chain 2; minus strand). Cytogenetic location: 17p13.1.
Variant type: single nucleotide variant.
Coding change: c.298C>A on transcript NM_017534.6 (MANE Select); coding-DNA position 298, C replaced by A.
Protein change: p.Pro100Thr; replaces proline 100 with threonine.
Molecular consequence: missense variant.
Genome position (GRCh38, 1-based): chr17:10,547,525, G>T on the plus strand (C>A on the coding strand, the complement: MYH2 is on the minus strand). VCF-style: chr17-10547525-G-T. GRCh37 (hg19) VCF-style: chr17-10450842-G-T.
Other names: c.298C>A, p.Pro100Thr (NM_001100112.2); short protein forms P100T.
Identifiers: ClinVar variation 3675914 (VCV003675914.2).
Genomic context (GRCh38, chr17:10,547,525, plus strand): 5'-GGACACTCACGTAGATCATCCAGGCTGCATAACGTTCTTTGAGGTTGTACAGCACAGCAG[G>T]CTCATGCAGATGAGTCATCATGGCCATATCCTCGATCTTGTCATATTTGGGAGGGTTCAT-3'
Protein context (NP_060004.3, residues 90-110): DMAMMTHLHE[Pro100Thr]AVLYNLKERY

ClinVar aggregate classification (germline): Uncertain significance (1 of 4 stars; one submission).

Conditions:
Myopathy, proximal, and ophthalmoplegia (CMYO6). Also called: CONGENITAL MYOPATHY 6 WITH OPHTHALMOPLEGIA; MYOPATHY WITH CONGENITAL JOINT CONTRACTURES, OPHTHALMOPLEGIA, AND RIMMED VACUOLES; INCLUSION BODY MYOPATHY 3, AUTOSOMAL DOMINANT. Identifiers: Orphanet 363677, Orphanet 79091, MedGen C1854106, MONDO:0011577, OMIM 605637.

gnomAD v4.1: 2 of 1,614,116 alleles (0.00012%); no homozygotes.

Submission:

Labcorp Genetics (formerly Invitae), Labcorp
Classification: Uncertain significance for Myopathy, proximal, and ophthalmoplegia. Last evaluated: 2024-04-25. Review status: criteria provided, single submitter. Criteria: Invitae Variant Classification Sherloc (09022015). Collection method: clinical testing. Allele origin: germline.
Comment: This sequence change replaces proline, which is neutral and non-polar, with threonine, which is neutral and polar, at codon 100 of the MYH2 protein (p.Pro100Thr). This variant is present in population databases (rs547953227, gnomAD 0.3%). This variant has not been reported in the literature in individuals affected with MYH2-related conditions. Advanced modeling of protein sequence and biophysical properties (such as structural, functional, and spatial information, amino acid conservation, physicochemical variation, residue mobility, and thermodynamic stability) performed at Invitae indicates that this missense variant is expected to disrupt MYH2 protein function with a positive predictive value of 80%. In summary, the available evidence is currently insufficient to determine the role of this variant in disease. Therefore, it has been classified as a Variant of Uncertain Significance.